The following is an entry in ClinVar:

ClinVar aggregate classification (germline): Uncertain significance (1 of 4 stars; one submission).

Conditions:
Hereditary nonpolyposis colorectal neoplasms. Identifiers: MedGen C0009405, MeSH D003123.

Submission:

Labcorp Genetics (formerly Invitae), Labcorp
Classification: Uncertain significance for Hereditary nonpolyposis colorectal neoplasms. Last evaluated: 2025-05-18. Review status: criteria provided, single submitter. Criteria: Invitae Variant Classification Sherloc (09022015). Collection method: clinical testing. Allele origin: germline.
Comment: This sequence change replaces threonine, which is neutral and polar, with asparagine, which is neutral and polar, at codon 357 of the PMS2 protein (p.Thr357Asn). This variant is not present in population databases (gnomAD no frequency). This variant has not been reported in the literature in individuals affected with PMS2-related conditions. ClinVar contains an entry for this variant (Variation ID: 659121). Invitae Evidence Modeling incorporating data from in vitro experimental studies (internal data) indicates that this missense variant is not expected to disrupt PMS2 function with a negative predictive value of 95%. In summary, the available evidence is currently insufficient to determine the role of this variant in disease. Therefore, it has been classified as a Variant of Uncertain Significance.

NM_000535.7(PMS2):c.1070C>A (p.Thr357Asn)

Gene: PMS2 (PMS1 homolog 2, mismatch repair system component; minus strand). Cytogenetic location: 7p22.1.
Variant type: single nucleotide variant.
Coding change: c.1070C>A on transcript NM_000535.7 (MANE Select); coding-DNA position 1070, C replaced by A.
Protein change: p.Thr357Asn; replaces threonine 357 with asparagine.
Molecular consequence: missense variant. On other transcripts: non-coding transcript variant (1), intron variant (2).
Genome position (GRCh38, 1-based): chr7:5,989,874, G>T on the plus strand (C>A on the coding strand, the complement: PMS2 is on the minus strand). VCF-style: chr7-5989874-G-T. GRCh37 (hg19) VCF-style: chr7-6029505-G-T.
Other names: c.665C>A, p.Thr222Asn (NM_001322003.2, NM_001322004.2, NM_001322005.2 and 1 more transcripts); c.752C>A, p.Thr251Asn (NM_001322007.2, NM_001322008.2); c.137C>A, p.Thr46Asn (NM_001322011.2, NM_001322012.2); c.497C>A, p.Thr166Asn (NM_001322013.2); c.1070C>A, p.Thr357Asn (NM_001322014.2); c.761C>A, p.Thr254Asn (NM_001322015.2); c.583+2099C>A (NM_001322010.2); c.988+2099C>A (NM_001322006.2); short protein forms T357N, T222N, T46N, T166N, T251N, T254N.
Identifiers: ClinVar variation 659121 (VCV000659121.8), dbSNP rs980612510, ClinGen allele CA153230634.